The following is an entry in ClinVar:

NM_013336.4(SEC61A1):c.523C>G (p.Leu175Val)

Gene: SEC61A1 (SEC61 translocon subunit alpha 1; plus strand). Cytogenetic location: 3q21.3.
Variant type: single nucleotide variant.
Coding change: c.523C>G on transcript NM_013336.4 (MANE Select); coding-DNA position 523, C replaced by G.
Protein change: p.Leu175Val; replaces leucine 175 with valine.
Molecular consequence: missense variant.
Genome position (GRCh38, 1-based): chr3:128,060,568, C>G. VCF-style: chr3-128060568-C-G. GRCh37 (hg19) VCF-style: chr3-127779411-C-G.
Other names: short protein forms L175V.
Identifiers: ClinVar variation 1365584 (VCV001365584.6), dbSNP rs1941836686, ClinGen allele CA354395057.
Genomic context (GRCh38, chr3:128,060,568, plus strand): 5'-CTCTTTGTTGCTGGCTTAATTGTCCTACTTTTGGATGAACTCCTGCAAAAAGGATATGGC[C>G]TTGGCTCTGGTATTTCTCTCTTCATTGCAACTAACATCTGTGAAACCATCGTATGGAAGG-3'
Protein context (NP_037468.1, residues 165-185): LDELLQKGYG[Leu175Val]GSGISLFIAT

ClinVar aggregate classification (germline): Uncertain significance (1 of 4 stars; one submission).

Allele frequency attached by ClinVar (database versions not stated): TOPMed below 0.00001.

Submission:

Labcorp Genetics (formerly Invitae), Labcorp
Classification: Uncertain significance. Last evaluated: 2024-09-28. Review status: criteria provided, single submitter. Criteria: Invitae Variant Classification Sherloc (09022015). Collection method: clinical testing. Allele origin: germline.
Comment: This sequence change replaces leucine, which is neutral and non-polar, with valine, which is neutral and non-polar, at codon 175 of the SEC61A1 protein (p.Leu175Val). This variant is not present in population databases (gnomAD no frequency). This variant has not been reported in the literature in individuals affected with SEC61A1-related conditions. ClinVar contains an entry for this variant (Variation ID: 1365584). Invitae Evidence Modeling of protein sequence and biophysical properties (such as structural, functional, and spatial information, amino acid conservation, physicochemical variation, residue mobility, and thermodynamic stability) indicates that this missense variant is not expected to disrupt SEC61A1 protein function with a negative predictive value of 80%. In summary, the available evidence is currently insufficient to determine the role of this variant in disease. Therefore, it has been classified as a Variant of Uncertain Significance.